The following is an entry in ClinVar:

NM_206996.4(SPAG17):c.5669+6T>G

Gene: SPAG17 (sperm associated antigen 17; minus strand). Cytogenetic location: 1p12.
Variant type: single nucleotide variant.
Coding change: c.5669+6T>G on transcript NM_206996.4 (MANE Select); 6 bases into the intron after coding-DNA position 5669, T replaced by G.
Molecular consequence: intron variant.
Genome position (GRCh38, 1-based): chr1:117,987,828, A>C on the plus strand (T>G on the coding strand, the complement: SPAG17 is on the minus strand). VCF-style: chr1-117987828-A-C. GRCh37 (hg19) VCF-style: chr1-118530451-A-C.
Identifiers: ClinVar variation 3034547 (VCV003034547.2), dbSNP rs575313276, ClinGen allele CA1033031.

ClinVar aggregate classification (germline): Likely benign (0 of 4 stars; one submission).

Conditions:
SPAG17-related disorder. Also called: SPAG17-related condition.

Allele frequency attached by ClinVar (database versions not stated): TOPMed 0.00009; gnomAD 0.00073; gnomAD exomes 0.00116; ExAC 0.00292; 1000 Genomes Project 30x 0.00640; 1000 Genomes Project 0.00679.
gnomAD v4.1: 1,809 of 1,612,456 alleles (0.11%); highest among the groups gnomAD compares: South Asian, 1.9%; 41 homozygotes.

Submission:

PreventionGenetics, part of Exact Sciences
Classification: Likely benign for SPAG17-related condition. Last evaluated: 2019-04-15. Review status: no assertion criteria provided. Collection method: clinical testing. Allele origin: germline.
Comment: This variant is classified as likely benign based on ACMG/AMP sequence variant interpretation guidelines (Richards et al. 2015 PMID: 25741868, with internal and published modifications).